The following is an entry in ClinVar:

ClinVar aggregate classification (germline): Uncertain significance (1 of 4 stars; one submission).

Conditions:
Hyperkalemic periodic paralysis. Also called: Familial hyperkalemic periodic paralysis; Gamstorp disease. Identifiers: Orphanet 682, MedGen C0238357, MONDO:0008224, OMIM 170500, HP:0007215.

gnomAD v4.1: 1 of 1,613,370 alleles (0.000062%); highest among the groups gnomAD compares: African/African-American, 0.0013%; no homozygotes.

Submission:

Labcorp Genetics (formerly Invitae), Labcorp
Classification: Uncertain significance for Hyperkalemic periodic paralysis. Last evaluated: 2025-02-20. Review status: criteria provided, single submitter. Criteria: Invitae Variant Classification Sherloc (09022015). Collection method: clinical testing. Allele origin: germline.
Comment: This sequence change replaces alanine, which is neutral and non-polar, with threonine, which is neutral and polar, at codon 1465 of the SCN4A protein (p.Ala1465Thr). This variant is not present in population databases (gnomAD no frequency). This variant has not been reported in the literature in individuals affected with SCN4A-related conditions. Invitae Evidence Modeling of protein sequence and biophysical properties (such as structural, functional, and spatial information, amino acid conservation, physicochemical variation, residue mobility, and thermodynamic stability) has been performed for this missense variant. However, the output from this modeling did not meet the statistical confidence thresholds required to predict the impact of this variant on SCN4A protein function. In summary, the available evidence is currently insufficient to determine the role of this variant in disease. Therefore, it has been classified as a Variant of Uncertain Significance.

NM_000334.4(SCN4A):c.4393G>A (p.Ala1465Thr)

Genes: GH-LCR (growth hormone locus control region; plus strand), SCN4A (sodium voltage-gated channel alpha subunit 4; minus strand). Cytogenetic location: 17q23.3.
Variant type: single nucleotide variant.
Coding change: c.4393G>A on transcript NM_000334.4 (MANE Select); coding-DNA position 4393, G replaced by A.
Protein change: p.Ala1465Thr; replaces alanine 1465 with threonine.
Molecular consequence: missense variant.
Genome position (GRCh38, 1-based): chr17:63,941,889, C>T on the plus strand (G>A on the coding strand, the complement: SCN4A is on the minus strand). VCF-style: chr17-63941889-C-T. GRCh37 (hg19) VCF-style: chr17-62019249-C-T.
Other names: short protein forms A1465T.
Identifiers: ClinVar variation 4749690 (VCV004749690.1).